The following is an entry in ClinVar:

NM_001080.3(ALDH5A1):c.*1239T>G

Gene: ALDH5A1 (aldehyde dehydrogenase 5 family member A1; plus strand). Cytogenetic location: 6p22.3.
Variant type: single nucleotide variant.
Coding change: c.*1239T>G on transcript NM_001080.3 (MANE Select); 1239 bases downstream of the stop codon, T replaced by G.
Molecular consequence: 3 prime UTR variant.
Genome position (GRCh38, 1-based): chr6:24,534,951, T>G. VCF-style: chr6-24534951-T-G. GRCh37 (hg19) VCF-style: chr6-24535179-T-G.
Other names: c.*1239T>G (NM_001368954.1, NM_170740.1).
Identifiers: ClinVar variation 356162 (VCV000356162.5), dbSNP rs191960134, ClinGen allele CA10623530.

ClinVar aggregate classification (germline): Likely benign (1 of 4 stars; one submission).

Conditions:
Succinate-semialdehyde dehydrogenase deficiency (SSADHD). Also called: Succinic Semialdehyde Dehydrogenase Deficiency; 4-HYDROXYBUTYRIC ACIDURIA; GABA METABOLIC DEFECT; SSADH DEFICIENCY. Identifiers: Orphanet 22, MedGen C0268631, MONDO:0010083, OMIM 271980.

Allele frequency attached by ClinVar (database versions not stated): 1000 Genomes Project 0.00260; 1000 Genomes Project 30x 0.00265; gnomAD 0.00678 and 0.00705; TOPMed 0.00732.

Submission:

Illumina Laboratory Services, Illumina
Classification: Likely benign for Succinate-semialdehyde dehydrogenase deficiency. Last evaluated: 2018-01-13. Review status: criteria provided, single submitter. Criteria: ICSL Variant Classification Criteria 13 December 2019. Collection method: clinical testing. Allele origin: germline.
Comment: This variant was observed in the ICSL laboratory as part of a predisposition screen in an ostensibly healthy population. It had not been previously curated by ICSL or reported in the Human Gene Mutation Database (HGMD: prior to June 1st, 2018), and was therefore a candidate for classification through an automated scoring system. Utilizing variant allele frequency, disease prevalence and penetrance estimates, and inheritance mode, an automated score was calculated to assess if this variant is too frequent to cause the disease. Based on the score and internal cut-off values, a variant classified as likely benign is not then subjected to further curation. The score for this variant resulted in a classification of likely benign for this disease.